The following is an entry in ClinVar:

ClinVar aggregate classification (germline): Uncertain significance. Review status: criteria provided, multiple submitters, no conflicts (2 of 4 stars). 2 submissions from 2 submitters: Uncertain significance (2). Last evaluated 2026-08-01.

gnomAD v4.1: 9 of 1,614,020 alleles (0.00056%); highest among the groups gnomAD compares: Admixed American, 0.0067%; no homozygotes.

Submissions (2):

CeGaT Center for Human Genetics Tuebingen
Classification: Uncertain significance. Last evaluated: 2026-08-01. Review status: criteria provided, single submitter. Criteria: CeGaT Center For Human Genetics Tuebingen Variant Classification Criteria Version 2. Collection method: clinical testing. Allele origin: germline. Affected: yes. Observed: 1 variant allele.
Comment: PTPN14: PM2

Ambry Genetics
Classification: Uncertain significance. Last evaluated: 2025-10-27. Review status: criteria provided, single submitter. Criteria: Ambry Variant Classification Scheme 2023. Collection method: clinical testing. Allele origin: germline.

NM_005401.5(PTPN14):c.2959C>T (p.Pro987Ser)

Gene: PTPN14 (protein tyrosine phosphatase non-receptor type 14; minus strand). Cytogenetic location: 1q32.3.
Variant type: single nucleotide variant.
Coding change: c.2959C>T on transcript NM_005401.5 (MANE Select); coding-DNA position 2959, C replaced by T.
Protein change: p.Pro987Ser; replaces proline 987 with serine.
Molecular consequence: missense variant.
Genome position (GRCh38, 1-based): chr1:214,372,788, G>A on the plus strand (C>T on the coding strand, the complement: PTPN14 is on the minus strand). VCF-style: chr1-214372788-G-A. GRCh37 (hg19) VCF-style: chr1-214546131-G-A.
Other names: short protein forms P987S.
Identifiers: ClinVar variation 4573789 (VCV004573789.2).